The following is an entry in ClinVar:

NM_004260.4(RECQL4):c.668G>A (p.Gly223Asp)

Gene: RECQL4 (RecQ like helicase 4; minus strand). Cytogenetic location: 8q24.3.
Variant type: single nucleotide variant.
Coding change: c.668G>A on transcript NM_004260.4 (MANE Select); coding-DNA position 668, G replaced by A.
Protein change: p.Gly223Asp; replaces glycine 223 with aspartic acid.
Molecular consequence: missense variant.
Genome position (GRCh38, 1-based): chr8:144,516,451, C>T on the plus strand (G>A on the coding strand, the complement: RECQL4 is on the minus strand). VCF-style: chr8-144516451-C-T. GRCh37 (hg19) VCF-style: chr8-145741835-C-T.
Other names: c.668G>A, p.Gly223Asp (NM_001413017.1, NM_001413018.1, NM_001413019.1 and 4 more transcripts); c.-404G>A (NM_001413022.1, NM_001413023.1, NM_001413024.1 and 5 more transcripts); c.539G>A, p.Gly180Asp (NM_001413025.1); c.-466G>A (NM_001413027.1, NM_001413030.1, NM_001413031.1 and 2 more transcripts); c.-308G>A (NM_001413034.1); c.-673G>A (NM_001413043.1); c.668G>A (NM_004260.3); short protein forms G180D, G223D.
Identifiers: ClinVar variation 2198030 (VCV002198030.5), dbSNP rs765520744, ClinGen allele CA4949215.

ClinVar aggregate classification (germline): Uncertain significance. Review status: criteria provided, multiple submitters, no conflicts (2 of 4 stars). 2 submissions from 2 submitters: Uncertain significance (2). Last evaluated 2024-12-14.

Conditions:
Inborn genetic diseases. Identifiers: MedGen C0950123, MeSH D030342.
Baller-Gerold syndrome (BGS). Also called: CRANIOSYNOSTOSIS WITH RADIAL DEFECTS. Identifiers: Orphanet 1225, MedGen C0265308, MONDO:0009039, OMIM 218600.

Allele frequency attached by ClinVar (database versions not stated): gnomAD exomes 0.00003; ExAC 0.00006.
gnomAD v4.1: 44 of 1,608,768 alleles (0.0027%); highest among the groups gnomAD compares: South Asian, 0.047%; 1 homozygote.

Submissions (2):

Ambry Genetics
Classification: Uncertain significance for Inborn genetic diseases. Last evaluated: 2024-12-14. Review status: criteria provided, single submitter. Criteria: Ambry Variant Classification Scheme 2023. Collection method: clinical testing. Allele origin: germline.
Comment: The p.G223D variant (also known as c.668G>A), located in coding exon 5 of the RECQL4 gene, results from a G to A substitution at nucleotide position 668. The glycine at codon 223 is replaced by aspartic acid, an amino acid with similar properties. This amino acid position is conserved. In addition, this alteration is predicted to be tolerated by in silico analysis. Based on the available evidence, the clinical significance of this variant remains unclear.

Labcorp Genetics (formerly Invitae), Labcorp
Classification: Uncertain significance for Baller-Gerold syndrome. Last evaluated: 2022-06-27. Review status: criteria provided, single submitter. Criteria: Invitae Variant Classification Sherloc (09022015). Collection method: clinical testing. Allele origin: germline.
Comment: In summary, the available evidence is currently insufficient to determine the role of this variant in disease. Therefore, it has been classified as a Variant of Uncertain Significance. Experimental studies and prediction algorithms are not available or were not evaluated, and the functional significance of this variant is currently unknown. This variant has not been reported in the literature in individuals affected with RECQL4-related conditions. This variant is present in population databases (rs765520744, gnomAD 0.05%), including at least one homozygous and/or hemizygous individual. This sequence change replaces glycine, which is neutral and non-polar, with aspartic acid, which is acidic and polar, at codon 223 of the RECQL4 protein (p.Gly223Asp).